The following is an entry in ClinVar:

ClinVar aggregate classification (germline): Likely pathogenic (1 of 4 stars; one submission).

Conditions:
Arrhythmogenic right ventricular dysplasia 8 (ARVD8). Also called: ARRHYTHMOGENIC RIGHT VENTRICULAR DYSPLASIA, FAMILIAL, 8; ARRHYTHMOGENIC RIGHT VENTRICULAR CARDIOMYOPATHY 8; Arrhythmogenic Right Ventricular Dysplasia/Cardiomyopathy 8. Identifiers: MedGen C1843896, MONDO:0011831, OMIM 607450.
Cardiomyopathy, dilated, with wooly hair, keratoderma, and tooth agenesis. Also called: Erythrokeratodermia-cardiomyopathy syndrome; Cardiomyopathy, dilated, with woolly hair, keratoderma, and tooth agenesis. Identifiers: Orphanet 476096, Orphanet 65282, MedGen C4014393, MONDO:0014355, OMIM 615821.

Submission:

Juno Genomics, Hangzhou Juno Genomics, Inc
Classification: Likely pathogenic for Arrhythmogenic right ventricular dysplasia 8; Cardiomyopathy, dilated, with wooly hair, keratoderma, and tooth agenesis. Review status: criteria provided, single submitter. Criteria: ACMG Guidelines, 2015. Collection method: clinical testing. Allele origin: germline.
Comment: Absent from controls (or at extremely low frequency if recessive) in Genome Aggregation Database.;Null variant in a gene where loss of function (LOF) is a known mechanism of disease.

NM_004415.4(DSP):c.4567del (p.Glu1523fs)

Gene: DSP (desmoplakin; plus strand). Cytogenetic location: 6p24.3.
Variant type: Deletion.
Coding change: c.4567del on transcript NM_004415.4 (MANE Select); coding-DNA position 4567, one base deleted (G; older notation c.4567delG).
Protein change: p.Glu1523fs; shifts the reading frame from glutamic acid 1523.
Molecular consequence: frameshift variant. On other transcripts: intron variant (2).
Genome position (GRCh38, 1-based): chr6:7,580,757, G deleted; the last of 2 consecutive G bases (chr6:7,580,756-7,580,757); deleting either gives the same sequence. VCF-style (leftmost placement, unchanged base first): chr6-7580755-CG-C. GRCh37 (hg19) VCF-style: chr6-7580988-CG-C.
Other names: c.4050+517del (NM_001319034.2); c.3582+985del (NM_001008844.3); short protein forms E1523fs.
Identifiers: ClinVar variation 5019942 (VCV005019942.2).